The following is an entry in ClinVar:

ClinVar aggregate classification (germline): Uncertain significance. Review status: criteria provided, multiple submitters, no conflicts (2 of 4 stars). 2 submissions from 2 submitters: Uncertain significance (2). Last evaluated 2026-09-08.

Conditions:
NLRP12-related disorder. Also called: NLRP12-related condition; NLRP12-related conditions.
Familial cold autoinflammatory syndrome 2 (FCAS2). Identifiers: Orphanet 247868, MedGen C2673198, MONDO:0012724, OMIM 611762.

Allele frequency attached by ClinVar (database versions not stated): gnomAD exomes 0.00001; ExAC 0.00002.
gnomAD v4.1: 3 of 1,611,878 alleles (0.00019%); highest among the groups gnomAD compares: Admixed American, 0.005%; no homozygotes.

Submissions (2):

PreventionGenetics, part of Exact Sciences
Classification: Uncertain significance for NLRP12-related condition. Last evaluated: 2026-09-08. Review status: criteria provided, single submitter. Criteria: ACMG Guidelines, 2015. Collection method: clinical testing. Allele origin: germline.
Comment: The NLRP12 c.2051C>G variant is predicted to result in the amino acid substitution p.Ala684Gly. To our knowledge, this variant has not been reported in the literature. This variant is reported in 0.0058% of alleles in individuals of Latino descent in gnomAD. At this time, the clinical significance of this variant is uncertain due to the absence of conclusive functional and genetic evidence.

Labcorp Genetics (formerly Invitae), Labcorp
Classification: Uncertain significance for Familial cold autoinflammatory syndrome 2. Last evaluated: 2022-08-16. Review status: criteria provided, single submitter. Criteria: Invitae Variant Classification Sherloc (09022015). Collection method: clinical testing. Allele origin: germline.
Comment: In summary, the available evidence is currently insufficient to determine the role of this variant in disease. Therefore, it has been classified as a Variant of Uncertain Significance. Algorithms developed to predict the effect of missense changes on protein structure and function (SIFT, PolyPhen-2, Align-GVGD) all suggest that this variant is likely to be tolerated. ClinVar contains an entry for this variant (Variation ID: 1037486). This variant has not been reported in the literature in individuals affected with NLRP12-related conditions. This variant is present in population databases (rs753678830, gnomAD 0.006%). This sequence change replaces alanine, which is neutral and non-polar, with glycine, which is neutral and non-polar, at codon 684 of the NLRP12 protein (p.Ala684Gly).

NM_144687.4(NLRP12):c.2051C>G (p.Ala684Gly)

Gene: NLRP12 (NLR family pyrin domain containing 12; minus strand). Cytogenetic location: 19q13.42.
Variant type: single nucleotide variant.
Coding change: c.2051C>G on transcript NM_144687.4 (MANE Select); coding-DNA position 2051, C replaced by G.
Protein change: p.Ala684Gly; replaces alanine 684 with glycine.
Molecular consequence: missense variant.
Genome position (GRCh38, 1-based): chr19:53,809,608, G>C on the plus strand (C>G on the coding strand, the complement: NLRP12 is on the minus strand). VCF-style: chr19-53809608-G-C. GRCh37 (hg19) VCF-style: chr19-54312862-G-C.
Other names: c.2051C>G, p.Ala684Gly (NM_001277126.2, NM_001277129.1); c.2051C>G (NM_144687.3); short protein forms A684G.
Identifiers: ClinVar variation 1037486 (VCV001037486.9), dbSNP rs753678830, ClinGen allele CA9639281.